The following is an entry in ClinVar:

NM_025114.4(CEP290):c.2917_2919dup (p.Thr973_Ala974insThr)

Gene: CEP290 (centrosomal protein 290; minus strand). Cytogenetic location: 12q21.32.
Variant type: Duplication.
Coding change: c.2917_2919dup on transcript NM_025114.4 (MANE Select); coding-DNA positions 2917 to 2919, 3 bases duplicated (ACT; older notation c.2917_2919dupACT).
Protein change: p.Thr973_Ala974insThr.
Molecular consequence: inframe insertion.
Genome position (GRCh38, 1-based): chr12:88,102,910-88,102,912, AGT duplicated on the plus strand (ACT on the coding strand, the reverse complement: CEP290 is on the minus strand). VCF-style (leftmost placement, unchanged base first): chr12-88102909-C-CAGT. GRCh37 (hg19) VCF-style: chr12-88496686-C-CAGT.
Other names: NM_025114.4:c.2917_2919dup.
Identifiers: ClinVar variation 4871874 (VCV004871874.1).

ClinVar aggregate classification (germline): Likely pathogenic (3 of 4 stars; one submission).

Conditions:
CEP290-related ciliopathy. Also called: CEP290 ciliopathy. Identifiers: MedGen CN305601, MONDO:0100451.

Submission:

ClinGen Leber Congenital Amaurosis/early Onset Retinal Dystrophy Variant Curation Expert Panel, ClinGen
Classification: Likely pathogenic for CEP290-related ciliopathy. Last evaluated: 2026-07-20. Review status: reviewed by expert panel. Criteria: ClinGen LCAeoRD ACMG Specifications CEP290 V1.0.0. Collection method: curation. Allele origin: germline. Inheritance: Autosomal recessive inheritance.
Comment: The NM_025114.4(CEP290):c.2917_2919dup (p.Thr973dup) variant introduces a threonine at position p.973 of the protein. This variant is absent from gnomAD v4.1.1 (PM2_Supporting) and is predicted to cause a change in the length of the protein due to an in-frame insertion encoding 1 amino acid in a non-repeat region, with at least one of the neighboring base pairs highly conserved with a PhyloP conservation score of 9.35 (PM4_Supporting). Clinical details are sufficiently detailed to meet PP4_Moderate and include exome sequencing that did not provide an alternative explanation. (10 points, PP4_Moderate). In summary, this variant meets the criteria to be classified as Likely Pathogenic for CEP290-related ciliopathy based on the ACMG/AMP criteria applied, as specified by the ClinGen LCA/eoRD VCEP:PM3, PP4_Moderate, PM2_Supporting, PM4_Supporting (LCA/eoRD VCEP Specifications for CEP290 Version 1.0.0)